The following is an entry in ClinVar:

ClinVar aggregate classification (germline): Uncertain significance (1 of 4 stars; one submission).

Conditions:
Inborn genetic diseases. Identifiers: MedGen C0950123, MeSH D030342.

Allele frequency attached by ClinVar (database versions not stated): gnomAD 0.00001; TOPMed below 0.00001.

Submission:

Ambry Genetics
Classification: Uncertain significance for Inborn genetic diseases. Last evaluated: 2026-01-05. Review status: criteria provided, single submitter. Criteria: Ambry Variant Classification Scheme 2023. Collection method: clinical testing. Allele origin: germline.
Comment: The c.5933C>A (p.P1978H) alteration is located in exon 43 (coding exon 42) of the MYO7A gene. This alteration results from a C to A substitution at nucleotide position 5933, causing the proline (P) at amino acid position 1978 to be replaced by a histidine (H). Based on data from gnomAD, the A allele has an overall frequency of <0.001% (1/247494) total alleles studied. The highest observed frequency was 0.001% (1/112180) of European (non-Finnish) alleles. Based on insufficient or conflicting evidence, the clinical significance of this alteration remains unclear.

NM_000260.4(MYO7A):c.5933C>A (p.Pro1978His)

Gene: MYO7A (myosin VIIA; plus strand). Cytogenetic location: 11q13.5.
Variant type: single nucleotide variant.
Coding change: c.5933C>A on transcript NM_000260.4 (MANE Select); coding-DNA position 5933, C replaced by A.
Protein change: p.Pro1978His; replaces proline 1978 with histidine.
Molecular consequence: missense variant.
Genome position (GRCh38, 1-based): chr11:77,208,506, C>A. VCF-style: chr11-77208506-C-A. GRCh37 (hg19) VCF-style: chr11-76919551-C-A.
Other names: c.5819C>A, p.Pro1940His (NM_001127180.2); c.5786C>A, p.Pro1929His (NM_001369365.1); short protein forms P1929H, P1940H, P1978H.
Identifiers: ClinVar variation 2310097 (VCV002310097.3), dbSNP rs1424529760, ClinGen allele CA381932795.